The following is an entry in ClinVar:

ClinVar aggregate classification (germline): Uncertain significance. Review status: criteria provided, multiple submitters, no conflicts (2 of 4 stars). 2 submissions from 2 submitters: Uncertain significance (2). Last evaluated 2022-08-01.

Allele frequency attached by ClinVar (database versions not stated): gnomAD exomes below 0.00001; TOPMed below 0.00001; ExAC 0.00001; ESP Exome Variant Server 0.00008.
gnomAD v4.1: 7 of 1,614,160 alleles (0.00043%); highest among the groups gnomAD compares: Non-Finnish European, 0.00059%; no homozygotes.

Submissions (2):

Labcorp Genetics (formerly Invitae), Labcorp
Classification: Uncertain significance. Last evaluated: 2022-08-01. Review status: criteria provided, single submitter. Criteria: Invitae Variant Classification Sherloc (09022015). Collection method: clinical testing. Allele origin: germline.
Comment: Algorithms developed to predict the effect of missense changes on protein structure and function (SIFT, PolyPhen-2, Align-GVGD) all suggest that this variant is likely to be disruptive. In summary, the available evidence is currently insufficient to determine the role of this variant in disease. Therefore, it has been classified as a Variant of Uncertain Significance. Algorithms developed to predict the effect of sequence changes on RNA splicing suggest that this variant may create or strengthen a splice site. ClinVar contains an entry for this variant (Variation ID: 1413648). This variant has not been reported in the literature in individuals affected with TUB-related conditions. This variant is present in population databases (rs370305563, gnomAD 0.007%). This sequence change replaces glycine, which is neutral and non-polar, with arginine, which is basic and polar, at codon 500 of the TUB protein (p.Gly500Arg).

Blueprint Genetics
Classification: Uncertain significance. Last evaluated: 2019-06-29. Review status: criteria provided, single submitter. Criteria: ACMG Guidelines, 2015. Collection method: clinical testing. Allele origin: germline.

NM_177972.3(TUB):c.1333G>A (p.Gly445Arg)

Genes: RIC3 (RIC3 acetylcholine receptor chaperone; minus strand), TUB (TUB bipartite transcription factor; plus strand). Cytogenetic location: 11p15.4.
Variant type: single nucleotide variant.
Coding change: c.1333G>A on transcript NM_177972.3 (MANE Select); coding-DNA position 1333, G replaced by A.
Protein change: p.Gly445Arg; replaces glycine 445 with arginine.
Molecular consequence: missense variant.
Genome position (GRCh38, 1-based): chr11:8,100,943, G>A. VCF-style: chr11-8100943-G-A. GRCh37 (hg19) VCF-style: chr11-8122490-G-A.
Other names: c.1498G>A, p.Gly500Arg (NM_003320.5); short protein forms G445R, G500R.
Identifiers: ClinVar variation 1413648 (VCV001413648.9), dbSNP rs370305563, ClinGen allele CA5871464.